The following continues an entry in ClinVar:

NM_000051.4(ATM):c.3576G>A (p.Lys1192=)

Gene: ATM. ClinVar aggregate classification (germline): Pathogenic. Pathogenic (1).

Submissions 25 to 32 of 32:

Mendelics
Classification: Pathogenic for Ataxia-telangiectasia syndrome. Last evaluated: 2018-07-02. Review status: criteria provided, single submitter. Criteria: Mendelics Assertion Criteria 2017. Collection method: clinical testing. Allele origin: unknown. Not counted in ClinVar's aggregate classification.

Institute of Human Genetics, University Hospital of Duesseldorf
Classification: Likely pathogenic for Ataxia-telangiectasia syndrome. Review status: criteria provided, single submitter. Criteria: ACMG Guidelines, 2015. Collection method: not provided. Allele origin: germline. Inheritance: Autosomal recessive inheritance. Affected: yes. Not counted in ClinVar's aggregate classification.

Karaiskakio Foundation
Classification: Pathogenic for Pancreatic Cancer. Review status: criteria provided, single submitter. Criteria: ACMG Guidelines, 2015. Collection method: clinical testing. Allele origin: germline. Affected: yes. Not counted in ClinVar's aggregate classification.

Counsyl
Classification: Pathogenic for Ataxia-telangiectasia syndrome. Last evaluated: 2016-03-08. Review status: no assertion criteria provided. Collection method: clinical testing. Allele origin: unknown. Not counted in ClinVar's aggregate classification.

OMIM
Classification: Pathogenic for ATAXIA-TELANGIECTASIA. Last evaluated: 1999-01-01. Review status: no assertion criteria provided. Collection method: literature only. Allele origin: germline. Not counted in ClinVar's aggregate classification.

Diagnostic Laboratory, Department of Genetics, University Medical Center Groningen
Classification: Pathogenic. Review status: no assertion criteria provided. Collection method: clinical testing. Allele origin: germline. Affected: yes. Study: VKGL Data-share Consensus. Not counted in ClinVar's aggregate classification.

Joint Genome Diagnostic Labs from Nijmegen and Maastricht, Radboudumc and MUMC+
Classification: Pathogenic. Review status: no assertion criteria provided. Collection method: clinical testing. Allele origin: germline. Affected: yes. Study: VKGL Data-share Consensus. Not counted in ClinVar's aggregate classification.

Laboratory of Diagnostic Genome Analysis, Leiden University Medical Center (LUMC)
Classification: Likely pathogenic. Review status: no assertion criteria provided. Collection method: clinical testing. Allele origin: germline. Affected: yes. Study: VKGL Data-share Consensus. Not counted in ClinVar's aggregate classification.

Literature cited by the submitters: PubMed 9887333 (cited by 13 submitters); PubMed 10330348 (cited by Hema, HEMA – Genetic and Molecular Diagnostic Laboratory); PubMed 21965147 (cited by 8 submitters); PubMed 32748564 (cited by Hema, HEMA – Genetic and Molecular Diagnostic Laboratory and Quest Diagnostics Nichols Institute San Juan Capistrano); PubMed 9497252 (cited by 3 submitters); PubMed 9792409 (cited by Hema, HEMA – Genetic and Molecular Diagnostic Laboratory and Color Diagnostics, LLC DBA Color Health); PubMed 16941484 (cited by 3 submitters); PubMed 31741144 (cited by 3 submitters); PubMed 34107524 (cited by Hema, HEMA – Genetic and Molecular Diagnostic Laboratory and Color Diagnostics, LLC DBA Color Health); PubMed 35257272 (cited by 3 submitters); PubMed 26896183 (cited by 3 submitters); PubMed 30819809 (cited by 6 submitters); PubMed 8845835 (cited by 5 submitters); PubMed 17124347 (cited by 4 submitters); PubMed 19691550 (cited by 8 submitters); PubMed 22071889 (cited by 8 submitters); PubMed 27599564 (cited by 7 submitters); PubMed 17576681 (cited by Labcorp Genetics (formerly Invitae), Labcorp); PubMed 9536098 (cited by Labcorp Genetics (formerly Invitae), Labcorp); PubMed 17910737 (cited by Ambry Genetics); PubMed 22213089 (cited by Ambry Genetics and Quest Diagnostics Nichols Institute San Juan Capistrano); PubMed 29625052 (cited by Quest Diagnostics Nichols Institute San Juan Capistrano); PubMed 30620386 (cited by Quest Diagnostics Nichols Institute San Juan Capistrano); PubMed 32325837 (cited by Quest Diagnostics Nichols Institute San Juan Capistrano); PubMed 32658311 (cited by Quest Diagnostics Nichols Institute San Juan Capistrano); PubMed 33624863 (cited by Quest Diagnostics Nichols Institute San Juan Capistrano); PubMed 29665859 (cited by Color Diagnostics, LLC DBA Color Health); PubMed 8698354 (cited by Myriad Genetics, Inc.).